The following is an entry in ClinVar:

NM_001025603.2(RFX5):c.1754T>G (p.Val585Gly)

Gene: RFX5 (regulatory factor X5; minus strand). Cytogenetic location: 1q21.3.
Variant type: single nucleotide variant.
Coding change: c.1754T>G on transcript NM_001025603.2 (MANE Select); coding-DNA position 1754, T replaced by G.
Protein change: p.Val585Gly; replaces valine 585 with glycine.
Molecular consequence: missense variant.
Genome position (GRCh38, 1-based): chr1:151,342,283, A>C on the plus strand (T>G on the coding strand, the complement: RFX5 is on the minus strand). VCF-style: chr1-151342283-A-C. GRCh37 (hg19) VCF-style: chr1-151314759-A-C.
Other names: c.1754T>G, p.Val585Gly (NM_000449.4, NM_001379412.1, NM_001379413.1 and 5 more transcripts); c.1634T>G, p.Val545Gly (NM_001379419.1, NM_001379420.1); short protein forms V545G, V585G.
Identifiers: ClinVar variation 2974397 (VCV002974397.3), dbSNP rs762798581, ClinGen allele CA341923620.

ClinVar aggregate classification (germline): Uncertain significance (1 of 4 stars; one submission).

Conditions:
MHC class II deficiency. Also called: Bare lymphocyte syndrome 2; BLS, TYPE II. Identifiers: Orphanet 572, MedGen C5447452, MONDO:0008855.

Submission:

Labcorp Genetics (formerly Invitae), Labcorp
Classification: Uncertain significance for MHC class II deficiency. Last evaluated: 2023-05-09. Review status: criteria provided, single submitter. Criteria: Invitae Variant Classification Sherloc (09022015). Collection method: clinical testing. Allele origin: germline.
Comment: In summary, the available evidence is currently insufficient to determine the role of this variant in disease. Therefore, it has been classified as a Variant of Uncertain Significance. An algorithm developed to predict the effect of missense changes on protein structure and function (PolyPhen-2) suggests that this variant is likely to be tolerated. This variant has not been reported in the literature in individuals affected with RFX5-related conditions. This variant is not present in population databases (gnomAD no frequency). This sequence change replaces valine, which is neutral and non-polar, with glycine, which is neutral and non-polar, at codon 585 of the RFX5 protein (p.Val585Gly).